The following is an entry in ClinVar:

NM_003482.4(KMT2D):c.507A>C (p.Ser169=)

Gene: KMT2D (lysine methyltransferase 2D; minus strand). Cytogenetic location: 12q13.12.
Variant type: single nucleotide variant.
Coding change: c.507A>C on transcript NM_003482.4 (MANE Select); coding-DNA position 507, A replaced by C.
Protein change: p.Ser169=; no amino-acid change (serine 169 retained).
Molecular consequence: synonymous variant.
Genome position (GRCh38, 1-based): chr12:49,054,310, T>G on the plus strand (A>C on the coding strand, the complement: KMT2D is on the minus strand). VCF-style: chr12-49054310-T-G. GRCh37 (hg19) VCF-style: chr12-49448093-T-G.
Identifiers: ClinVar variation 740944 (VCV000740944.25), dbSNP rs745801358, ClinGen allele CA479715407.
Genomic context (GRCh38, chr12:49,054,310, plus strand): 5'-TCTCAGAAGCCCACCAGCCCTGCCCTTCACCTATGCAATCCCCTGGCCCAGCCCCACCTG[T>G]GAGATCCCTGAGAAGATGGCCTTGTCCACACCACATAGTTCTGGGCCCTCCTGCCCCCAT-3'
Protein context (NP_003473.3, residues 159-179): GVDKAIFSGI[Ser169=]QRCSHCTRLG

ClinVar aggregate classification (germline): Likely benign. Review status: criteria provided, multiple submitters, no conflicts (2 of 4 stars). 2 submissions from 2 submitters: Likely benign (2). Last evaluated 2023-12-01.

Submissions (2):

CeGaT Center for Human Genetics Tuebingen
Classification: Likely benign. Last evaluated: 2023-12-01. Review status: criteria provided, single submitter. Criteria: CeGaT Center For Human Genetics Tuebingen Variant Classification Criteria Version 2. Collection method: clinical testing. Allele origin: germline. Affected: yes. Observed: 1 variant allele.
Comment: KMT2D: PM2:Supporting, BP4, BP7

Labcorp Genetics (formerly Invitae), Labcorp
Classification: Likely benign. Last evaluated: 2018-05-02. Review status: criteria provided, single submitter. Criteria: Invitae Variant Classification Sherloc (09022015). Collection method: clinical testing. Allele origin: germline.